The following is an entry in ClinVar:

ClinVar aggregate classification (germline): Uncertain significance. Review status: criteria provided, multiple submitters, no conflicts (2 of 4 stars). 2 submissions from 2 submitters: Uncertain significance (2). Last evaluated 2025-03-08.

gnomAD v4.1: 9 of 1,610,116 alleles (0.00056%); highest among the groups gnomAD compares: Non-Finnish European, 0.00076%; no homozygotes.

Submissions (2):

Ambry Genetics
Classification: Uncertain significance. Last evaluated: 2025-03-08. Review status: criteria provided, single submitter. Criteria: Ambry Variant Classification Scheme 2023. Collection method: clinical testing. Allele origin: germline.

Labcorp Genetics (formerly Invitae), Labcorp
Classification: Uncertain significance. Last evaluated: 2024-03-04. Review status: criteria provided, single submitter. Criteria: Invitae Variant Classification Sherloc (09022015). Collection method: clinical testing. Allele origin: germline.
Comment: This sequence change replaces asparagine, which is neutral and polar, with threonine, which is neutral and polar, at codon 261 of the MMP9 protein (p.Asn261Thr). This variant is present in population databases (rs144229833, gnomAD 0.002%). This variant has not been reported in the literature in individuals affected with MMP9-related conditions. Advanced modeling of protein sequence and biophysical properties (such as structural, functional, and spatial information, amino acid conservation, physicochemical variation, residue mobility, and thermodynamic stability) performed at Invitae indicates that this missense variant is not expected to disrupt MMP9 protein function with a negative predictive value of 80%. In summary, the available evidence is currently insufficient to determine the role of this variant in disease. Therefore, it has been classified as a Variant of Uncertain Significance.

NM_004994.3(MMP9):c.782A>C (p.Asn261Thr)

Gene: MMP9 (matrix metallopeptidase 9; plus strand). Cytogenetic location: 20q13.12.
Variant type: single nucleotide variant.
Coding change: c.782A>C on transcript NM_004994.3 (MANE Select); coding-DNA position 782, A replaced by C.
Protein change: p.Asn261Thr; replaces asparagine 261 with threonine.
Molecular consequence: missense variant.
Genome position (GRCh38, 1-based): chr20:46,011,275, A>C. VCF-style: chr20-46011275-A-C. GRCh37 (hg19) VCF-style: chr20-44639914-A-C.
Other names: c.782A>C (NM_004994.2); short protein forms N261T.
Identifiers: ClinVar variation 3613514 (VCV003613514.3).